The following is an entry in ClinVar:

ClinVar aggregate classification (germline): Conflicting classifications of pathogenicity. Review status: criteria provided, conflicting classifications (1 of 4 stars). 2 submissions from 2 submitters: Uncertain significance (1); Benign (1). Last evaluated 2025-10-27.

Conditions:
Adams-Oliver syndrome 5 (AOS5). Identifiers: Orphanet 974, MedGen C4014970, MONDO:0014459, OMIM 616028.
Familial thoracic aortic aneurysm and aortic dissection (TAAD). Also called: Thoracic aortic aneurysms and dissections. Identifiers: Orphanet 91387, MedGen C4707243, MONDO:0019625.

Allele frequency attached by ClinVar (database versions not stated): gnomAD 0.00001; gnomAD exomes 0.00001; TOPMed 0.00001.
gnomAD v4.1: 17 of 1,560,672 alleles (0.0011%); highest among the groups gnomAD compares: East Asian, 0.0024%; no homozygotes.

Submissions (2):

Ambry Genetics
Classification: Uncertain significance for Familial thoracic aortic aneurysm and aortic dissection. Last evaluated: 2025-10-27. Review status: criteria provided, single submitter. Criteria: Ambry Variant Classification Scheme 2023. Collection method: clinical testing. Allele origin: germline.
Comment: The p.E198K variant (also known as c.592G>A), located in coding exon 4 of the NOTCH1 gene, results from a G to A substitution at nucleotide position 592. The glutamic acid at codon 198 is replaced by lysine, an amino acid with similar properties. This amino acid position is conserved. In addition, the in silico prediction for this alteration is inconclusive. Since supporting evidence is limited at this time, the clinical significance of this alteration remains unclear.

Labcorp Genetics (formerly Invitae), Labcorp
Classification: Benign for Adams-Oliver syndrome 5. Last evaluated: 2023-11-27. Review status: criteria provided, single submitter. Criteria: Invitae Variant Classification Sherloc (09022015). Collection method: clinical testing. Allele origin: germline.

NM_017617.5(NOTCH1):c.592G>A (p.Glu198Lys)

Gene: NOTCH1 (notch receptor 1; minus strand). Cytogenetic location: 9q34.3.
Variant type: single nucleotide variant.
Coding change: c.592G>A on transcript NM_017617.5 (MANE Select); coding-DNA position 592, G replaced by A.
Protein change: p.Glu198Lys; replaces glutamic acid 198 with lysine.
Molecular consequence: missense variant.
Genome position (GRCh38, 1-based): chr9:136,523,000, C>T on the plus strand (G>A on the coding strand, the complement: NOTCH1 is on the minus strand). VCF-style: chr9-136523000-C-T. GRCh37 (hg19) VCF-style: chr9-139417452-C-T.
Other names: short protein forms E198K.
Identifiers: ClinVar variation 1750556 (VCV001750556.8), dbSNP rs1370073589, ClinGen allele CA375569979.